The following is an entry in ClinVar:

NM_001371623.1(TCOF1):c.197A>G (p.Glu66Gly)

Gene: TCOF1 (treacle ribosome biogenesis factor 1; plus strand). Cytogenetic location: 5q32.
Variant type: single nucleotide variant.
Coding change: c.197A>G on transcript NM_001371623.1 (MANE Select); coding-DNA position 197, A replaced by G.
Protein change: p.Glu66Gly; replaces glutamic acid 66 with glycine.
Molecular consequence: missense variant.
Genome position (GRCh38, 1-based): chr5:150,364,145, A>G. VCF-style: chr5-150364145-A-G. GRCh37 (hg19) VCF-style: chr5-149743708-A-G.
Other names: c.197A>G, p.Glu66Gly (NM_000356.4, NM_001008657.3, NM_001135243.2 and 3 more transcripts); short protein forms E66G.
Identifiers: ClinVar variation 3764356 (VCV003764356.1).

ClinVar aggregate classification (germline): Uncertain significance (1 of 4 stars; one submission).

Submission:

GeneDx
Classification: Uncertain significance. Last evaluated: 2024-08-19. Review status: criteria provided, single submitter. Criteria: GeneDx Variant Classification Process June 2021. Collection method: clinical testing. Allele origin: germline. Affected: yes.
Comment: Not observed at significant frequency in large population cohorts (gnomAD); In silico analysis supports that this missense variant has a deleterious effect on protein structure/function; Has not been previously published as pathogenic or benign to our knowledge